The following is an entry in ClinVar:

ClinVar aggregate classification (germline): Uncertain significance. Review status: criteria provided, multiple submitters, no conflicts (2 of 4 stars). 2 submissions from 2 submitters: Uncertain significance (2). Last evaluated 2025-11-24.

Allele frequency attached by ClinVar (database versions not stated): gnomAD 0.00001; ExAC 0.00002; TOPMed 0.00001; gnomAD exomes 0.00002.
gnomAD v4.1: 35 of 1,614,038 alleles (0.0022%); highest among the groups gnomAD compares: Non-Finnish European, 0.0027%; no homozygotes.

Submissions (2):

Labcorp Genetics (formerly Invitae), Labcorp
Classification: Uncertain significance. Last evaluated: 2025-11-24. Review status: criteria provided, single submitter. Criteria: Invitae Variant Classification Sherloc (09022015). Collection method: clinical testing. Allele origin: germline.
Comment: This sequence change replaces arginine, which is basic and polar, with histidine, which is basic and polar, at codon 71 of the IGF1R protein (p.Arg71His). This variant is present in population databases (rs780055504, gnomAD 0.004%). This variant has not been reported in the literature in individuals affected with IGF1R-related conditions. ClinVar contains an entry for this variant (Variation ID: 1952892). Invitae Evidence Modeling of protein sequence and biophysical properties (such as structural, functional, and spatial information, amino acid conservation, physicochemical variation, residue mobility, and thermodynamic stability) indicates that this missense variant is not expected to disrupt IGF1R protein function with a negative predictive value of 80%. In summary, the available evidence is currently insufficient to determine the role of this variant in disease. Therefore, it has been classified as a Variant of Uncertain Significance.

GeneDx
Classification: Uncertain significance. Last evaluated: 2023-01-10. Review status: criteria provided, single submitter. Criteria: GeneDx Variant Classification Process June 2021. Collection method: clinical testing. Allele origin: germline. Affected: yes.
Comment: In silico analysis supports that this missense variant has a deleterious effect on protein structure/function; Has not been previously published as pathogenic or benign to our knowledge

NM_000875.5(IGF1R):c.212G>A (p.Arg71His)

Gene: IGF1R (insulin like growth factor 1 receptor; plus strand). Cytogenetic location: 15q26.3.
Variant type: single nucleotide variant.
Coding change: c.212G>A on transcript NM_000875.5 (MANE Select); coding-DNA position 212, G replaced by A.
Protein change: p.Arg71His; replaces arginine 71 with histidine.
Molecular consequence: missense variant.
Genome position (GRCh38, 1-based): chr15:98,707,679, G>A. VCF-style: chr15-98707679-G-A. GRCh37 (hg19) VCF-style: chr15-99250908-G-A.
Other names: c.212G>A (NM_000875.3); c.212G>A, p.Arg71His (NM_001291858.2); short protein forms R71H.
Identifiers: ClinVar variation 1952892 (VCV001952892.6), dbSNP rs780055504, ClinGen allele CA7751764.